The following is an entry in ClinVar:

NM_000179.3(MSH6):c.3346G>C (p.Gly1116Arg)

Gene: MSH6 (mutS homolog 6; plus strand). Cytogenetic location: 2p16.3.
Variant type: single nucleotide variant.
Coding change: c.3346G>C on transcript NM_000179.3 (MANE Select); coding-DNA position 3346, G replaced by C.
Protein change: p.Gly1116Arg; replaces glycine 1116 with arginine.
Molecular consequence: missense variant.
Genome position (GRCh38, 1-based): chr2:47,803,593, G>C. VCF-style: chr2-47803593-G-C. GRCh37 (hg19) VCF-style: chr2-48030732-G-C.
Other names: c.2956G>C, p.Gly986Arg (NM_001281492.2); c.2440G>C, p.Gly814Arg (NM_001281493.2, NM_001281494.2); short protein forms G1116R, G814R, G986R.
Identifiers: ClinVar variation 428410 (VCV000428410.7), dbSNP rs1114167775, ClinGen allele CA346758749.

ClinVar aggregate classification (germline): Uncertain significance. Review status: criteria provided, multiple submitters, no conflicts (2 of 4 stars). 2 submissions from 2 submitters: Uncertain significance (2). Last evaluated 2025-08-04.

Conditions:
Hereditary cancer-predisposing syndrome. Also called: Hereditary Cancer Syndrome; Neoplastic Syndromes, Hereditary; Hereditary neoplastic syndrome; Tumor predisposition. Identifiers: Orphanet 140162, MedGen C0027672, MeSH D009386, MONDO:0015356.

Submissions (2):

Color Diagnostics, LLC DBA Color Health
Classification: Uncertain significance for Hereditary cancer-predisposing syndrome. Last evaluated: 2025-08-04. Review status: criteria provided, single submitter. Criteria: ACMG Guidelines, 2015. Collection method: clinical testing. Allele origin: germline.
Comment: This missense variant replaces glycine with arginine at codon 1116 of the MSH6 protein. Computational prediction suggests that this variant may have deleterious impact on protein structure and function. To our knowledge, functional studies have not been reported for this variant. This variant has not been reported in individuals affected with MSH6-related disorders in the literature. This variant has not been identified in the general population by the Genome Aggregation Database (gnomAD). The available evidence is insufficient to determine the role of this variant in disease conclusively. Therefore, this variant is classified as a Variant of Uncertain Significance.

Ambry Genetics
Classification: Uncertain significance for Hereditary cancer-predisposing syndrome. Last evaluated: 2022-12-06. Review status: criteria provided, single submitter. Criteria: Ambry Variant Classification Scheme 2023. Collection method: clinical testing. Allele origin: germline.
Comment: The p.G1116R variant (also known as c.3346G>C), located in coding exon 5 of the MSH6 gene, results from a G to C substitution at nucleotide position 3346. The glycine at codon 1116 is replaced by arginine, an amino acid with dissimilar properties. This amino acid position is highly conserved in available vertebrate species. In addition, this alteration is predicted to be deleterious by in silico analysis. Since supporting evidence is limited at this time, the clinical significance of this alteration remains unclear.